The following is an entry in ClinVar:

ClinVar aggregate classification (germline): Uncertain significance. Review status: criteria provided, multiple submitters, no conflicts (2 of 4 stars). 2 submissions from 2 submitters: Uncertain significance (2). Last evaluated 2024-09-04.

Conditions:
Charcot-Marie-Tooth disease axonal type 2O. Also called: CHARCOT-MARIE-TOOTH NEUROPATHY, AXONAL, TYPE 2O; CHARCOT-MARIE-TOOTH DISEASE, AXONAL, AUTOSOMAL DOMINANT, TYPE 2O; Charcot-Marie-Tooth Neuropathy Type 2O; Charcot-Marie-Tooth disease, axonal, type 20. Identifiers: Orphanet 284232, MedGen C3280220, MONDO:0013644, OMIM 614228.

Submissions (2):

Labcorp Genetics (formerly Invitae), Labcorp
Classification: Uncertain significance for Charcot-Marie-Tooth disease axonal type 2O. Last evaluated: 2024-09-04. Review status: criteria provided, single submitter. Criteria: Invitae Variant Classification Sherloc (09022015). Collection method: clinical testing. Allele origin: germline.
Comment: This sequence change replaces lysine, which is basic and polar, with threonine, which is neutral and polar, at codon 1834 of the DYNC1H1 protein (p.Lys1834Thr). This variant is not present in population databases (gnomAD no frequency). This variant has not been reported in the literature in individuals affected with DYNC1H1-related conditions. Invitae Evidence Modeling of protein sequence and biophysical properties (such as structural, functional, and spatial information, amino acid conservation, physicochemical variation, residue mobility, and thermodynamic stability) indicates that this missense variant is not expected to disrupt DYNC1H1 protein function with a negative predictive value of 95%. In summary, the available evidence is currently insufficient to determine the role of this variant in disease. Therefore, it has been classified as a Variant of Uncertain Significance.

GeneDx
Classification: Uncertain significance. Last evaluated: 2023-07-28. Review status: criteria provided, single submitter. Criteria: GeneDx Variant Classification Process June 2021. Collection method: clinical testing. Allele origin: germline. Affected: yes.
Comment: Not observed at significant frequency in large population cohorts (gnomAD); In silico analysis supports that this missense variant has a deleterious effect on protein structure/function; Has not been previously published as pathogenic or benign to our knowledge; This variant is associated with the following publications: (PMID: 25512093, 25609763, 26100331)

NM_001376.5(DYNC1H1):c.5501A>C (p.Lys1834Thr)

Gene: DYNC1H1 (dynein cytoplasmic 1 heavy chain 1; plus strand). Cytogenetic location: 14q32.31.
Variant type: single nucleotide variant.
Coding change: c.5501A>C on transcript NM_001376.5 (MANE Select); coding-DNA position 5501, A replaced by C.
Protein change: p.Lys1834Thr; replaces lysine 1834 with threonine.
Molecular consequence: missense variant.
Genome position (GRCh38, 1-based): chr14:102,005,955, A>C. VCF-style: chr14-102005955-A-C. GRCh37 (hg19) VCF-style: chr14-102472292-A-C.
Other names: short protein forms K1834T.
Identifiers: ClinVar variation 3361831 (VCV003361831.3).